The following is an entry in ClinVar:

NM_001374828.1(ARID1B):c.6723C>A (p.Tyr2241Ter)

Gene: ARID1B (AT-rich interaction domain 1B; plus strand). Cytogenetic location: 6q25.3.
Variant type: single nucleotide variant.
Coding change: c.6723C>A on transcript NM_001374828.1 (MANE Select); coding-DNA position 6723, C replaced by A.
Protein change: p.Tyr2241Ter; replaces tyrosine 2241 with a stop codon.
Molecular consequence: nonsense.
Genome position (GRCh38, 1-based): chr6:157,207,495, C>A. VCF-style: chr6-157207495-C-A. GRCh37 (hg19) VCF-style: chr6-157528629-C-A.
Other names: c.6474C>A, p.Tyr2158Ter (NM_001346813.1); c.4224C>A, p.Tyr1408Ter (NM_001363725.2); c.6603C>A, p.Tyr2201Ter (NM_001371656.1, NM_001374820.1); c.6564C>A, p.Tyr2188Ter (NM_017519.3); c.6354C>A, p.Tyr2118Ter (NM_020732.3); c.6141C>A, p.Tyr2047Ter (NM_175863.2); short protein forms Y2047*, Y2188*, Y2158*, Y2201*, Y2241*, Y1408*, Y2118*.
Identifiers: ClinVar variation 2136485 (VCV002136485.4), dbSNP rs1300985005, ClinGen allele CA366248914.
Genomic context (GRCh38, chr6:157,207,495, plus strand): 5'-GATCTTGGCCACTCCTCCATTTAGTCGTCAGGAGAAATTCTATGCTACATTAGTTAGGTA[C>A]GTTGGGGATCGCAAAAACCCAGTCTGTCGAGAAATGTCCATGGCGCTTTTATCGAACCTT-3'

ClinVar aggregate classification (germline): Pathogenic (1 of 4 stars; one submission).

Submission:

Labcorp Genetics (formerly Invitae), Labcorp
Classification: Pathogenic. Last evaluated: 2024-11-11. Review status: criteria provided, single submitter. Criteria: Invitae Variant Classification Sherloc (09022015). Collection method: clinical testing. Allele origin: germline.
Comment: This sequence change creates a premature translational stop signal (p.Tyr2118*) in the ARID1B gene. While this is not anticipated to result in nonsense mediated decay, it is expected to disrupt the last 132 amino acid(s) of the ARID1B protein. This variant is not present in population databases (gnomAD no frequency). This premature translational stop signal has been observed in individual(s) with clinical features of ARID1B-related conditions (PMID: 25473036). ClinVar contains an entry for this variant (Variation ID: 2136485). Algorithms developed to predict the effect of sequence changes on RNA splicing suggest that this variant may create or strengthen a splice site. This variant disrupts a region of the ARID1B protein in which other variant(s) (p.Ser2228*) have been determined to be pathogenic (PMID: 31981384). This suggests that this is a clinically significant region of the protein, and that variants that disrupt it are likely to be disease-causing. For these reasons, this variant has been classified as Pathogenic.

Literature cited by the submitters: PubMed 25473036; PubMed 31981384.